The following is an entry in ClinVar:

ClinVar aggregate classification (germline): Uncertain significance (1 of 4 stars; one submission).

gnomAD v4.1: 25 of 1,550,492 alleles (0.0016%); highest among the groups gnomAD compares: South Asian, 0.0078%; no homozygotes.

Submission:

Women's Health and Genetics/Laboratory Corporation of America, LabCorp
Classification: Uncertain significance. Last evaluated: 2026-02-09. Review status: criteria provided, single submitter. Criteria: LabCorp Variant Classification Summary - May 2015. Collection method: clinical testing. Allele origin: germline.
Comment: Variant summary: PKD1 c.7174C>T (p.Arg2392Cys) results in a non-conservative amino acid change in the encoded protein sequence. Algorithms developed to predict the effect of missense changes on protein structure and function are either unavailable or do not agree on the potential impact of this missense change. The variant allele was found at a frequency of 2.1e-05 in 194884 control chromosomes. The available data on variant occurrences in the general population are insufficient to allow any conclusion about variant significance. To our knowledge, no occurrence of c.7174C>T in individuals affected with PKD1-related conditions and no experimental evidence demonstrating its impact on protein function have been reported. No submitters have cited clinical-significance assessments for this variant to ClinVar. Based on the evidence outlined above, the variant was classified as uncertain significance.

NM_001009944.3(PKD1):c.7174C>T (p.Arg2392Cys)

Gene: PKD1 (polycystin 1, transient receptor potential channel interacting; minus strand). Cytogenetic location: 16p13.3.
Variant type: single nucleotide variant.
Coding change: c.7174C>T on transcript NM_001009944.3 (MANE Select); coding-DNA position 7174, C replaced by T.
Protein change: p.Arg2392Cys; replaces arginine 2392 with cysteine.
Molecular consequence: missense variant.
Genome position (GRCh38, 1-based): chr16:2,106,840, G>A on the plus strand (C>T on the coding strand, the complement: PKD1 is on the minus strand). VCF-style: chr16-2106840-G-A. GRCh37 (hg19) VCF-style: chr16-2156841-G-A.
Other names: c.7174C>T, p.Arg2392Cys (NM_000296.4); short protein forms R2392C.
Identifiers: ClinVar variation 4847955 (VCV004847955.1).
Genomic context (GRCh38, chr16:2,106,840, plus strand): 5'-CGCCCACACCCCGCTCAACACTCACCCCTCGCTTGGAGCCGCTGCTGCAATTGAGGCAGC[G>A]GCCCTCCAAGTACACGTAGGAGCTGCGGCTCACTTCGTACACGGCCTGTGCCTTGCAGGA-3'
Protein context (NP_001009944.3, residues 2382-2402): SRSSYVYLEG[Arg2392Cys]CLNCSSGSKR